The following is an entry in ClinVar:

NM_025099.6(CTC1):c.2638G>A (p.Glu880Lys)

Gene: CTC1 (CST telomere replication complex component 1; minus strand). Cytogenetic location: 17p13.1.
Variant type: single nucleotide variant.
Coding change: c.2638G>A on transcript NM_025099.6 (MANE Select); coding-DNA position 2638, G replaced by A.
Protein change: p.Glu880Lys; replaces glutamic acid 880 with lysine.
Molecular consequence: missense variant. On other transcripts: non-coding transcript variant (1).
Genome position (GRCh38, 1-based): chr17:8,231,307, C>T on the plus strand (G>A on the coding strand, the complement: CTC1 is on the minus strand). VCF-style: chr17-8231307-C-T. GRCh37 (hg19) VCF-style: chr17-8134625-C-T.
Other names: c.2638G>A, p.Glu880Lys (NM_001411067.1); short protein forms E880K.
Identifiers: ClinVar variation 3631218 (VCV003631218.2).

ClinVar aggregate classification (germline): Uncertain significance (1 of 4 stars; one submission).

Conditions:
Dyskeratosis congenita. Identifiers: Orphanet 1775, MedGen C0265965, MONDO:0015780.

gnomAD v4.1: 3 of 1,592,762 alleles (0.00019%); highest among the groups gnomAD compares: Non-Finnish European, 0.00017%; no homozygotes.

Submission:

Labcorp Genetics (formerly Invitae), Labcorp
Classification: Uncertain significance for Dyskeratosis congenita. Last evaluated: 2024-08-16. Review status: criteria provided, single submitter. Criteria: Invitae Variant Classification Sherloc (09022015). Collection method: clinical testing. Allele origin: germline.
Comment: This sequence change replaces glutamic acid, which is acidic and polar, with lysine, which is basic and polar, at codon 880 of the CTC1 protein (p.Glu880Lys). This variant is present in population databases (no rsID available, gnomAD 0.0009%). This variant has not been reported in the literature in individuals affected with CTC1-related conditions. Invitae Evidence Modeling of protein sequence and biophysical properties (such as structural, functional, and spatial information, amino acid conservation, physicochemical variation, residue mobility, and thermodynamic stability) indicates that this missense variant is not expected to disrupt CTC1 protein function with a negative predictive value of 80%. In summary, the available evidence is currently insufficient to determine the role of this variant in disease. Therefore, it has been classified as a Variant of Uncertain Significance.